The following is an entry in ClinVar:

NM_000552.5(VWF):c.7810C>T (p.Arg2604Cys)

Gene: VWF (von Willebrand factor; minus strand). Cytogenetic location: 12p13.31.
Variant type: single nucleotide variant.
Coding change: c.7810C>T on transcript NM_000552.5 (MANE Select); coding-DNA position 7810, C replaced by T.
Protein change: p.Arg2604Cys; replaces arginine 2604 with cysteine.
Molecular consequence: missense variant.
Genome position (GRCh38, 1-based): chr12:5,967,563, G>A on the plus strand (C>T on the coding strand, the complement: VWF is on the minus strand). VCF-style: chr12-5967563-G-A. GRCh37 (hg19) VCF-style: chr12-6076729-G-A.
Other names: c.7810C>T (NM_000552.4); short protein forms R2604C.
Identifiers: ClinVar variation 2593200 (VCV002593200.7), dbSNP rs760515060, ClinGen allele CA6401503.

ClinVar aggregate classification (germline): Uncertain significance. Review status: criteria provided, multiple submitters, no conflicts (2 of 4 stars). 4 submissions from 4 submitters: Uncertain significance (4). Last evaluated 2025-10-13.

Conditions:
Inborn genetic diseases. Identifiers: MedGen C0950123, MeSH D030342.

Allele frequency attached by ClinVar (database versions not stated): ExAC 0.00003; gnomAD exomes 0.00004; TOPMed 0.00006; gnomAD 0.00005.
gnomAD v4.1: 60 of 1,613,938 alleles (0.0037%); highest among the groups gnomAD compares: South Asian, 0.0077%; no homozygotes.

Submissions (4):

Dasa
Classification: Uncertain significance. Last evaluated: 2025-10-13. Review status: criteria provided, single submitter. Criteria: DASA Assertion Criteria. Collection method: clinical testing. Allele origin: germline.
Comment: NM_000552.5(VWF):c.7810C>T (p.Arg2604Cys) is a missense variant that results in the substitution of arginine with cysteine. This variant is rare in population databases. The currently available literature and clinical evidence are not sufficient to establish a definitive association between this variant and the reported condition. Therefore, this variant is classified as a variant of uncertain significance.

Women's Health and Genetics/Laboratory Corporation of America, LabCorp
Classification: Uncertain significance. Last evaluated: 2025-04-01. Review status: criteria provided, single submitter. Criteria: LabCorp Variant Classification Summary - May 2015. Collection method: clinical testing. Allele origin: germline.
Comment: Variant summary: VWF c.7810C>T (p.Arg2604Cys) results in a non-conservative amino acid change in the encoded protein sequence. Four of five in-silico tools predict a damaging effect of the variant on protein function. The variant allele was found at a frequency of 1.6e-05 in 251298 control chromosomes. The available data on variant occurrences in the general population are insufficient to allow any conclusion about variant significance. To our knowledge, no occurrence of c.7810C>T in individuals affected with Von Willebrand Disease and no experimental evidence demonstrating its impact on protein function have been reported. ClinVar contains an entry for this variant (Variation ID: 2593200). Based on the evidence outlined above, the variant was classified as uncertain significance.

Ambry Genetics
Classification: Uncertain significance for Inborn genetic diseases. Last evaluated: 2023-08-04. Review status: criteria provided, single submitter. Criteria: Ambry Variant Classification Scheme 2023. Collection method: clinical testing. Allele origin: germline.

Quest Diagnostics Nichols Institute San Juan Capistrano
Classification: Uncertain significance. Last evaluated: 2023-05-01. Review status: criteria provided, single submitter. Criteria: Quest Diagnostics criteria. Collection method: clinical testing. Allele origin: unknown.
Comment: To the best of our knowledge, this variant has not been reported in the published literature. The frequency of this variant in the general population, 0.000031 (4/129064 chromosomes), is uninformative in assessment of its pathogenicity. Analysis of this variant using bioinformatics tools for the prediction of the effect of amino acid changes on protein structure and function yielded inconclusive predictions. Based on the available information, we are unable to determine the clinical significance of this variant.